The following is an entry in ClinVar:

ClinVar aggregate classification (germline): Likely pathogenic. Review status: criteria provided, single submitter (1 of 4 stars). 2 submissions from 2 submitters: Likely pathogenic (1). 1 of the submissions does not count toward it. Last evaluated 2022-05-27.

Conditions:
Familial isolated deficiency of vitamin E (AVED). Also called: ATAXIA, FRIEDREICH-LIKE, WITH SELECTIVE VITAMIN E DEFICIENCY; Ataxia with isolated vitamin E deficiency. Identifiers: Orphanet 96, MedGen C1848533, MONDO:0010188, OMIM 277460.

Submissions (2):

Clinical Genetics Laboratory, Skane University Hospital Lund
Classification: Likely pathogenic. Last evaluated: 2022-05-27. Review status: criteria provided, single submitter. Criteria: ACMG Guidelines, 2015. Collection method: clinical testing. Allele origin: germline. Affected: yes.

GeneReviews
Classification: Pathogenic for Ataxia with Vitamin E Deficiency. Last evaluated: 2013-06-27. Review status: no assertion criteria provided. Collection method: curation. Allele origin: unknown. Not counted in ClinVar's aggregate classification.
ClinVar note: Converted during submission from pathologic to Pathogenic.

NM_000370.3(TTPA):c.530_531delinsGTAAGT (p.Lys177fs)

Gene: TTPA (alpha tocopherol transfer protein; minus strand). Cytogenetic location: 8q12.3.
Variant type: Indel.
Coding change: c.530_531delinsGTAAGT on transcript NM_000370.3 (MANE Select); coding-DNA positions 530 to 531, AG replaced by GTAAGT.
Protein change: p.Lys177fs; shifts the reading frame from lysine 177.
Molecular consequence: frameshift variant.
Genome position (GRCh38, 1-based): chr8:63,065,925-63,065,926, CT replaced by ACTTAC on the plus strand (AG replaced by GTAAGT on the coding strand, the reverse complement: TTPA is on the minus strand). VCF-style: chr8-63065925-CT-ACTTAC. GRCh37 (hg19) VCF-style: chr8-63978484-CT-ACTTAC.
Other names: short protein forms K177fs.
Identifiers: ClinVar variation 65595 (VCV000065595.4), dbSNP rs1554605631, ClinGen allele CA645509464.